The following is an entry in ClinVar:

NM_022095.4(ZNF335):c.1139G>A (p.Gly380Glu)

Gene: ZNF335 (zinc finger protein 335; minus strand). Cytogenetic location: 20q13.12.
Variant type: single nucleotide variant.
Coding change: c.1139G>A on transcript NM_022095.4 (MANE Select); coding-DNA position 1139, G replaced by A.
Protein change: p.Gly380Glu; replaces glycine 380 with glutamic acid.
Molecular consequence: missense variant.
Genome position (GRCh38, 1-based): chr20:45,963,954, C>T on the plus strand (G>A on the coding strand, the complement: ZNF335 is on the minus strand). VCF-style: chr20-45963954-C-T. GRCh37 (hg19) VCF-style: chr20-44592593-C-T.
Other names: short protein forms G380E.
Identifiers: ClinVar variation 2091373 (VCV002091373.4), dbSNP rs2083902824, ClinGen allele CA409251126.

ClinVar aggregate classification (germline): Uncertain significance (1 of 4 stars; one submission).

Allele frequency attached by ClinVar (database versions not stated): gnomAD exomes below 0.00001; gnomAD 0.00001; TOPMed 0.00001.
gnomAD v4.1: 3 of 1,538,570 alleles (0.00019%); highest among the groups gnomAD compares: African/African-American, 0.0028%; no homozygotes.

Submission:

Labcorp Genetics (formerly Invitae), Labcorp
Classification: Uncertain significance. Last evaluated: 2022-08-07. Review status: criteria provided, single submitter. Criteria: Invitae Variant Classification Sherloc (09022015). Collection method: clinical testing. Allele origin: germline.
Comment: This sequence change replaces glycine, which is neutral and non-polar, with glutamic acid, which is acidic and polar, at codon 380 of the ZNF335 protein (p.Gly380Glu). In summary, the available evidence is currently insufficient to determine the role of this variant in disease. Therefore, it has been classified as a Variant of Uncertain Significance. Algorithms developed to predict the effect of missense changes on protein structure and function (SIFT, PolyPhen-2, Align-GVGD) all suggest that this variant is likely to be tolerated. This variant has not been reported in the literature in individuals affected with ZNF335-related conditions. This variant is not present in population databases (gnomAD no frequency).